The following is an entry in ClinVar:

ClinVar aggregate classification (germline): Uncertain significance (1 of 4 stars; one submission).

Allele frequency attached by ClinVar (database versions not stated): ExAC 0.00001; gnomAD 0.00001; TOPMed 0.00002.
gnomAD v4.1: 11 of 1,613,058 alleles (0.00068%); highest among the groups gnomAD compares: South Asian, 0.0033%; no homozygotes.

Submission:

Labcorp Genetics (formerly Invitae), Labcorp
Classification: Uncertain significance. Last evaluated: 2021-10-14. Review status: criteria provided, single submitter. Criteria: Invitae Variant Classification Sherloc (09022015). Collection method: clinical testing. Allele origin: germline.
Comment: This sequence change replaces arginine with histidine at codon 940 of the NPHS1 protein (p.Arg940His). The arginine residue is moderately conserved and there is a small physicochemical difference between arginine and histidine. This variant is present in population databases (rs772278981, ExAC 0.002%). This variant has not been reported in the literature in individuals affected with NPHS1-related conditions. Algorithms developed to predict the effect of missense changes on protein structure and function (SIFT, PolyPhen-2, Align-GVGD) all suggest that this variant is likely to be tolerated. In summary, the available evidence is currently insufficient to determine the role of this variant in disease. Therefore, it has been classified as a Variant of Uncertain Significance.

NM_004646.4(NPHS1):c.2819G>A (p.Arg940His)

Gene: NPHS1 (NPHS1 adhesion molecule, nephrin; minus strand). Cytogenetic location: 19q13.12.
Variant type: single nucleotide variant.
Coding change: c.2819G>A on transcript NM_004646.4 (MANE Select); coding-DNA position 2819, G replaced by A.
Protein change: p.Arg940His; replaces arginine 940 with histidine.
Molecular consequence: missense variant.
Genome position (GRCh38, 1-based): chr19:35,839,604, C>T on the plus strand (G>A on the coding strand, the complement: NPHS1 is on the minus strand). VCF-style: chr19-35839604-C-T. GRCh37 (hg19) VCF-style: chr19-36330506-C-T.
Other names: short protein forms R940H.
Identifiers: ClinVar variation 2162899 (VCV002162899.1), dbSNP rs772278981, ClinGen allele CA9390004.